The following is an entry in ClinVar:

ClinVar aggregate classification (germline): Likely pathogenic (1 of 4 stars; one submission).

Conditions:
Nephronophthisis 15 (NPHP15). Identifiers: Orphanet 3156, MedGen C3541853, MONDO:0013917, OMIM 614845.

Submission:

Labcorp Genetics (formerly Invitae), Labcorp
Classification: Likely pathogenic for Nephronophthisis 15. Last evaluated: 2024-04-14. Review status: criteria provided, single submitter. Criteria: Invitae Variant Classification Sherloc (09022015). Collection method: clinical testing. Allele origin: germline.
Comment: This sequence change affects a donor splice site in intron 11 of the CEP164 gene. It is expected to disrupt RNA splicing. Variants that disrupt the donor or acceptor splice site typically lead to a loss of protein function (PMID: 16199547), and loss-of-function variants in CEP164 are known to be pathogenic (PMID: 22863007, 28125082, 32367404, 34132027, 34499853). This variant is not present in population databases (gnomAD no frequency). This variant has not been reported in the literature in individuals affected with CEP164-related conditions. Algorithms developed to predict the effect of sequence changes on RNA splicing suggest that this variant may disrupt the consensus splice site. In summary, the currently available evidence indicates that the variant is pathogenic, but additional data are needed to prove that conclusively. Therefore, this variant has been classified as Likely Pathogenic.

Literature cited by the submitters: PubMed 16199547; PubMed 22863007; PubMed 28125082; PubMed 32367404; PubMed 34132027; PubMed 34499853.

NM_014956.5(CEP164):c.1317+2T>G

Gene: CEP164 (centrosomal protein 164; plus strand). Cytogenetic location: 11q23.3.
Variant type: single nucleotide variant.
Coding change: c.1317+2T>G on transcript NM_014956.5 (MANE Select); the canonical splice donor site of the intron after coding-DNA position 1317, T replaced by G.
Molecular consequence: splice donor variant.
Genome position (GRCh38, 1-based): chr11:117,375,793, T>G. VCF-style: chr11-117375793-T-G. GRCh37 (hg19) VCF-style: chr11-117246509-T-G.
Other names: c.1317+2T>G (NM_001271933.2).
Identifiers: ClinVar variation 3649836 (VCV003649836.2).